The following is an entry in ClinVar:

NM_001395413.1(POR):c.1169C>T (p.Ala390Val)

Gene: POR (cytochrome p450 oxidoreductase; plus strand). Cytogenetic location: 7q11.23.
Variant type: single nucleotide variant.
Coding change: c.1169C>T on transcript NM_001395413.1 (MANE Select); coding-DNA position 1169, C replaced by T.
Protein change: p.Ala390Val; replaces alanine 390 with valine.
Molecular consequence: missense variant.
Genome position (GRCh38, 1-based): chr7:75,984,888, C>T. VCF-style: chr7-75984888-C-T. GRCh37 (hg19) VCF-style: chr7-75614206-C-T.
Other names: c.1178C>T, p.Ala393Val (NM_000941.3); c.1169C>T, p.Ala390Val (NM_001367562.3, NM_001382657.2, NM_001382658.3 and 2 more transcripts); c.1223C>T, p.Ala408Val (NM_001382655.3); short protein forms A390V, A393V, A408V.
Identifiers: ClinVar variation 2416050 (VCV002416050.5), dbSNP rs1554558795, ClinGen allele CA367749404.

ClinVar aggregate classification (germline): Uncertain significance (1 of 4 stars; one submission).

Conditions:
Congenital adrenal hyperplasia due to cytochrome P450 oxidoreductase deficiency. Also called: DISORDERED STEROIDOGENESIS DUE TO POR DEFICIENCY. Identifiers: Orphanet 95699, MedGen C1860042, MONDO:0013310, OMIM 613571.

Allele frequency attached by ClinVar (database versions not stated): gnomAD exomes 0.00001.
gnomAD v4.1: 10 of 1,612,426 alleles (0.00062%); highest among the groups gnomAD compares: East Asian, 0.0022%; no homozygotes.

Submission:

Labcorp Genetics (formerly Invitae), Labcorp
Classification: Uncertain significance for Congenital adrenal hyperplasia due to cytochrome P450 oxidoreductase deficiency. Last evaluated: 2022-04-11. Review status: criteria provided, single submitter. Criteria: Invitae Variant Classification Sherloc (09022015). Collection method: clinical testing. Allele origin: germline.
Comment: In summary, the available evidence is currently insufficient to determine the role of this variant in disease. Therefore, it has been classified as a Variant of Uncertain Significance. Algorithms developed to predict the effect of missense changes on protein structure and function (SIFT, PolyPhen-2, Align-GVGD) all suggest that this variant is likely to be disruptive. This variant has not been reported in the literature in individuals affected with POR-related conditions. This variant is present in population databases (no rsID available, gnomAD 0.003%). This sequence change replaces alanine, which is neutral and non-polar, with valine, which is neutral and non-polar, at codon 393 of the POR protein (p.Ala393Val).